The following is an entry in ClinVar:

ClinVar aggregate classification (germline): Conflicting classifications of pathogenicity. Review status: no assertion criteria provided (0 of 4 stars). 2 submissions from 2 submitters: Pathogenic (1); Uncertain significance (1). Last evaluated 2023-10-27.

Conditions:
PROK2-related disorder. Also called: PROK2-related condition.
Hypogonadotropic hypogonadism 4 with or without anosmia (HH4). Also called: PROK2-Related GnRH Deficiency (Kallmann Syndrome 4); HYPOGONADOTROPIC HYPOGONADISM 4 WITH ANOSMIA; KAL4. Identifiers: Orphanet 478, MedGen C3552343, MONDO:0012528, OMIM 610628.

Allele frequency attached by ClinVar (database versions not stated): gnomAD 0.00001; gnomAD exomes 0.00001; TOPMed 0.00002.
gnomAD v4.1: 15 of 1,249,706 alleles (0.0012%); highest among the groups gnomAD compares: Non-Finnish European, 0.0015%; no homozygotes.

Submissions (2):

PreventionGenetics, part of Exact Sciences
Classification: Uncertain significance for PROK2-related condition. Last evaluated: 2023-10-27. Review status: no assertion criteria provided. Collection method: clinical testing. Allele origin: germline.
Comment: The PROK2 c.70G>C variant is predicted to result in the amino acid substitution p.Ala24Pro. This variant was reported, along with a variant in PROKR2, in an individual with Kallmann syndrome (Cole et al. 2008. PubMed ID: 18559922; Miraoui et al. 2013. PubMed ID: 23643382). This variant has not been reported in a large population database, indicating this variant is rare. At this time, the clinical significance of this variant is uncertain due to the absence of conclusive functional and genetic evidence.

OMIM
Classification: Pathogenic for HYPOGONADOTROPIC HYPOGONADISM 4 WITH ANOSMIA. Last evaluated: 2008-09-01. Review status: no assertion criteria provided. Collection method: literature only. Allele origin: germline.

Literature cited by the submitters: PubMed 18559922 (cited by OMIM).

NM_001126128.2(PROK2):c.70G>C (p.Ala24Pro)

Gene: PROK2 (prokineticin 2; minus strand). Cytogenetic location: 3p13.
Variant type: single nucleotide variant.
Coding change: c.70G>C on transcript NM_001126128.2 (MANE Select); coding-DNA position 70, G replaced by C.
Protein change: p.Ala24Pro; replaces alanine 24 with proline.
Molecular consequence: missense variant.
Genome position (GRCh38, 1-based): chr3:71,784,983, C>G on the plus strand (G>C on the coding strand, the complement: PROK2 is on the minus strand). VCF-style: chr3-71784983-C-G. GRCh37 (hg19) VCF-style: chr3-71834134-C-G.
Other names: c.70G>C, p.Ala24Pro (NM_021935.4); short protein forms A24P.
Identifiers: ClinVar variation 156560 (VCV000156560.3), dbSNP rs587777863, ClinGen allele CA270914.
Genomic context (GRCh38, chr3:71,784,983, plus strand): 5'-ATCAGGGGCAGACAGGTGCGCCCGGGCCGCTTACCCCGGTGATCACGGCGGCGTCCCCAG[C>G]GCGGGGCGTGAGCAGCAGCGGCGGCAGCAGCAAGAGGAGCAGGAGTGGGGCGCAGCACAG-3'
Protein context (NP_001119600.1, residues 14-34): LLPPLLLTPR[Ala24Pro]GDAAVITGAC